The following is an entry in ClinVar:

ClinVar aggregate classification (germline): Uncertain significance. Review status: criteria provided, multiple submitters, no conflicts (2 of 4 stars). 2 submissions from 2 submitters: Uncertain significance (2). Last evaluated 2025-06-03.

Conditions:
Neurofibromatosis, type 1 (NF1). Also called: Neurofibromatosis, type I; Peripheral type neurofibromatosis; VON RECKLINGHAUSEN DISEASE; NEUROFIBROMATOSIS, TYPE I, SOMATIC. Identifiers: Orphanet 636, MedGen C0027831, MONDO:0018975, OMIM 162200. Disease mechanism: loss of function.
Cardiovascular phenotype. Identifiers: MedGen CN230736.
Hereditary cancer-predisposing syndrome. Also called: Hereditary neoplastic syndrome; Hereditary Cancer Syndrome; Neoplastic Syndromes, Hereditary; Tumor predisposition. Identifiers: Orphanet 140162, MedGen C0027672, MeSH D009386, MONDO:0015356.

Submissions (2):

Labcorp Genetics (formerly Invitae), Labcorp
Classification: Uncertain significance for Neurofibromatosis, type 1. Last evaluated: 2025-06-03. Review status: criteria provided, single submitter. Criteria: Invitae Variant Classification Sherloc (09022015). Collection method: clinical testing. Allele origin: germline.
Comment: This sequence change replaces valine, which is neutral and non-polar, with alanine, which is neutral and non-polar, at codon 2410 of the NF1 protein (p.Val2410Ala). This variant is not present in population databases (gnomAD no frequency). This variant has not been reported in the literature in individuals affected with NF1-related conditions. ClinVar contains an entry for this variant (Variation ID: 2741737). Invitae Evidence Modeling of protein sequence and biophysical properties (such as structural, functional, and spatial information, amino acid conservation, physicochemical variation, residue mobility, and thermodynamic stability) has been performed for this missense variant. However, the output from this modeling did not meet the statistical confidence thresholds required to predict the impact of this variant on NF1 protein function. In summary, the available evidence is currently insufficient to determine the role of this variant in disease. Therefore, it has been classified as a Variant of Uncertain Significance.

Ambry Genetics
Classification: Uncertain significance for Cardiovascular phenotype; Hereditary cancer-predisposing syndrome. Last evaluated: 2025-05-19. Review status: criteria provided, single submitter. Criteria: Ambry Variant Classification Scheme 2023. Collection method: clinical testing. Allele origin: germline.
Comment: The p.V2410A variant (also known as c.7229T>C), located in coding exon 48 of the NF1 gene, results from a T to C substitution at nucleotide position 7229. The valine at codon 2410 is replaced by alanine, an amino acid with similar properties. This amino acid position is conserved. In addition, the in silico prediction for this alteration is inconclusive. Based on the available evidence, the clinical significance of this variant remains unclear.

NM_001042492.3(NF1):c.7292T>C (p.Val2431Ala)

Gene: NF1 (neurofibromin 1; plus strand). Cytogenetic location: 17q11.2.
Variant type: single nucleotide variant.
Coding change: c.7292T>C on transcript NM_001042492.3 (MANE Select); coding-DNA position 7292, T replaced by C.
Protein change: p.Val2431Ala; replaces valine 2431 with alanine.
Molecular consequence: missense variant.
Genome position (GRCh38, 1-based): chr17:31,349,222, T>C. VCF-style: chr17-31349222-T-C. GRCh37 (hg19) VCF-style: chr17-29676240-T-C.
Other names: c.7229T>C, p.Val2410Ala (NM_000267.4); short protein forms V2410A, V2431A.
Identifiers: ClinVar variation 2741737 (VCV002741737.4), dbSNP rs2070077893, ClinGen allele CA399016869.
Genomic context (GRCh38, chr17:31,349,222, plus strand): 5'-GAATTTTACATACACTACTAACTCTGGTTAACAAACACAGAAATTGTGACAAATTTGAAG[T>C]GAATACACAGAGCGTGGCCTACTTAGCAGGTAAAAACACAAAATAAACAAAATTAATCTT-3'
Protein context (NP_001035957.1, residues 2421-2441): NKHRNCDKFE[Val2431Ala]NTQSVAYLAA